The following is an entry in ClinVar:

NM_001378120.1(MBD5):c.4234G>A (p.Gly1412Arg)

Gene: MBD5 (methyl-CpG binding domain protein 5; plus strand). Cytogenetic location: 2q23.1.
Variant type: single nucleotide variant.
Coding change: c.4234G>A on transcript NM_001378120.1 (MANE Select); coding-DNA position 4234, G replaced by A.
Protein change: p.Gly1412Arg; replaces glycine 1412 with arginine.
Molecular consequence: missense variant.
Genome position (GRCh38, 1-based): chr2:148,489,866, G>A. VCF-style: chr2-148489866-G-A. GRCh37 (hg19) VCF-style: chr2-149247435-G-A.
Other names: c.3535G>A, p.Gly1179Arg (NM_018328.5); short protein forms G1179R, G1412R.
Identifiers: ClinVar variation 1309558 (VCV001309558.2), dbSNP rs2105127672, ClinGen allele CA348728301.

ClinVar aggregate classification (germline): Uncertain significance (1 of 4 stars; one submission).

Submission:

GeneDx
Classification: Uncertain significance. Last evaluated: 2019-10-24. Review status: criteria provided, single submitter. Criteria: GeneDx Variant Classification Process June 2021. Collection method: clinical testing. Allele origin: germline. Affected: yes.
Comment: Not observed in large population cohorts (Lek et al., 2016); In silico analysis, which includes protein predictors and evolutionary conservation, supports that this variant does not alter protein structure/function; Has not been previously published as pathogenic or benign to our knowledge